The following is an entry in ClinVar:

NM_002637.4(PHKA1):c.1715-16T>C

Gene: PHKA1 (phosphorylase kinase regulatory subunit alpha 1; minus strand). Cytogenetic location: Xq13.1.
Variant type: single nucleotide variant.
Coding change: c.1715-16T>C on transcript NM_002637.4 (MANE Select); 16 bases into the intron before coding-DNA position 1715, T replaced by C.
Molecular consequence: intron variant.
Genome position (GRCh38, 1-based): chrX:72,627,065, A>G on the plus strand (T>C on the coding strand, the complement: PHKA1 is on the minus strand). VCF-style: chrX-72627065-A-G. GRCh37 (hg19) VCF-style: chrX-71846915-A-G.
Other names: c.1715-16T>C (NM_001172436.2, NM_001122670.2).
Identifiers: ClinVar variation 2995409 (VCV002995409.3), dbSNP rs1182683255, ClinGen allele CA642476157.

ClinVar aggregate classification (germline): Uncertain significance (1 of 4 stars; one submission).

Conditions:
Glycogen storage disease IXd (GSD9D). Also called: Muscle Phosphorylase Kinase Deficiency; GSD IXd. Identifiers: Orphanet 715, MedGen C1845151, MONDO:0010362, OMIM 300559.

Allele frequency attached by ClinVar (database versions not stated): gnomAD exomes below 0.00001; TOPMed below 0.00001; gnomAD 0.00001.
gnomAD v4.1: 4 of 1,141,616 alleles (0.00035%); highest among the groups gnomAD compares: Non-Finnish European, 0.00048%; no homozygotes.

Submission:

Labcorp Genetics (formerly Invitae), Labcorp
Classification: Uncertain significance for Glycogen storage disease IXd. Last evaluated: 2023-10-06. Review status: criteria provided, single submitter. Criteria: Invitae Variant Classification Sherloc (09022015). Collection method: clinical testing. Allele origin: germline.
Comment: This sequence change falls in intron 16 of the PHKA1 gene. It does not directly change the encoded amino acid sequence of the PHKA1 protein. This variant is present in population databases (no rsID available, gnomAD 0.001%). This variant has not been reported in the literature in individuals affected with PHKA1-related conditions. Algorithms developed to predict the effect of sequence changes on RNA splicing suggest that this variant may create or strengthen a splice site. In summary, the available evidence is currently insufficient to determine the role of this variant in disease. Therefore, it has been classified as a Variant of Uncertain Significance.